The following is an entry in ClinVar:

ClinVar aggregate classification (germline): Uncertain significance. Review status: criteria provided, multiple submitters, no conflicts (2 of 4 stars). 2 submissions from 2 submitters: Uncertain significance (2). Last evaluated 2024-01-21.

Conditions:
Neurofibromatosis, type 1 (NF1). Also called: VON RECKLINGHAUSEN DISEASE; NEUROFIBROMATOSIS, TYPE I, SOMATIC; Peripheral type neurofibromatosis; Neurofibromatosis, type I. Identifiers: Orphanet 636, MedGen C0027831, MONDO:0018975, OMIM 162200. Disease mechanism: loss of function.
Cardiovascular phenotype. Identifiers: MedGen CN230736.
Hereditary cancer-predisposing syndrome. Also called: Neoplastic Syndromes, Hereditary; Tumor predisposition; Hereditary neoplastic syndrome; Hereditary Cancer Syndrome. Identifiers: Orphanet 140162, MedGen C0027672, MeSH D009386, MONDO:0015356.

Allele frequency attached by ClinVar (database versions not stated): gnomAD exomes below 0.00001.
gnomAD v4.1: 1 of 1,613,736 alleles (0.000062%); highest among the groups gnomAD compares: Non-Finnish European, 0.000085%; no homozygotes.

Submissions (2):

Labcorp Genetics (formerly Invitae), Labcorp
Classification: Uncertain significance for Neurofibromatosis, type 1. Last evaluated: 2024-01-21. Review status: criteria provided, single submitter. Criteria: Invitae Variant Classification Sherloc (09022015). Collection method: clinical testing. Allele origin: germline.
Comment: This sequence change replaces alanine, which is neutral and non-polar, with threonine, which is neutral and polar, at codon 2552 of the NF1 protein (p.Ala2552Thr). This variant is not present in population databases (gnomAD no frequency). This variant has not been reported in the literature in individuals affected with NF1-related conditions. ClinVar contains an entry for this variant (Variation ID: 527582). Advanced modeling of protein sequence and biophysical properties (such as structural, functional, and spatial information, amino acid conservation, physicochemical variation, residue mobility, and thermodynamic stability) performed at Invitae indicates that this missense variant is not expected to disrupt NF1 protein function with a negative predictive value of 95%. In summary, the available evidence is currently insufficient to determine the role of this variant in disease. Therefore, it has been classified as a Variant of Uncertain Significance.

Ambry Genetics
Classification: Uncertain significance for Cardiovascular phenotype; Hereditary cancer-predisposing syndrome. Last evaluated: 2023-12-25. Review status: criteria provided, single submitter. Criteria: Ambry Variant Classification Scheme 2023. Collection method: clinical testing. Allele origin: germline.
Comment: The p.A2552T variant (also known as c.7654G>A), located in coding exon 51 of the NF1 gene, results from a G to A substitution at nucleotide position 7654. The alanine at codon 2552 is replaced by threonine, an amino acid with similar properties. This amino acid position is conserved. In addition, this alteration is predicted to be tolerated by in silico analysis. Since supporting evidence is limited at this time, the clinical significance of this alteration remains unclear.

NM_001042492.3(NF1):c.7717G>A (p.Ala2573Thr)

Gene: NF1 (neurofibromin 1; plus strand). Cytogenetic location: 17q11.2.
Variant type: single nucleotide variant.
Coding change: c.7717G>A on transcript NM_001042492.3 (MANE Select); coding-DNA position 7717, G replaced by A.
Protein change: p.Ala2573Thr; replaces alanine 2573 with threonine.
Molecular consequence: missense variant.
Genome position (GRCh38, 1-based): chr17:31,356,561, G>A. VCF-style: chr17-31356561-G-A. GRCh37 (hg19) VCF-style: chr17-29683579-G-A.
Other names: c.7654G>A, p.Ala2552Thr (NM_000267.4); short protein forms A2552T, A2573T.
Identifiers: ClinVar variation 527582 (VCV000527582.6), dbSNP rs1555536654, ClinGen allele CA399018195.